The following is an entry in ClinVar:

ClinVar aggregate classification (germline): Uncertain significance. Review status: criteria provided, multiple submitters, no conflicts (2 of 4 stars). 3 submissions from 3 submitters: Uncertain significance (3). Last evaluated 2024-10-23.

Conditions:
Cardiovascular phenotype. Identifiers: MedGen CN230736.
Long QT syndrome (LQTS). Identifiers: MedGen C0023976, MeSH D008133, MONDO:0002442. Disease mechanism: loss of function. Inheritance: Various modes of inheritance.
Long QT syndrome 11 (LQT11). Identifiers: Orphanet 101016, Orphanet 768, MedGen C2678483, MONDO:0012738, OMIM 611820.

Allele frequency attached by ClinVar (database versions not stated): gnomAD 0.00001 and 0.00002; TOPMed 0.00002; ExAC 0.00006; gnomAD exomes 0.00006.
gnomAD v4.1: 82 of 1,613,242 alleles (0.0051%); highest among the groups gnomAD compares: Middle Eastern, 0.1%; 2 homozygotes.

Submissions (3):

Labcorp Genetics (formerly Invitae), Labcorp
Classification: Uncertain significance for Long QT syndrome. Last evaluated: 2024-10-23. Review status: criteria provided, single submitter. Criteria: Invitae Variant Classification Sherloc (09022015). Collection method: clinical testing. Allele origin: germline.
Comment: This sequence change replaces proline, which is neutral and non-polar, with threonine, which is neutral and polar, at codon 3117 of the AKAP9 protein (p.Pro3117Thr). This variant is present in population databases (rs769119204, gnomAD 0.01%). This variant has not been reported in the literature in individuals affected with AKAP9-related conditions. ClinVar contains an entry for this variant (Variation ID: 1469280). An algorithm developed to predict the effect of missense changes on protein structure and function (PolyPhen-2) suggests that this variant is likely to be tolerated. In summary, the available evidence is currently insufficient to determine the role of this variant in disease. Therefore, it has been classified as a Variant of Uncertain Significance.

Fulgent Genetics
Classification: Uncertain significance for Long QT syndrome 11. Last evaluated: 2021-10-16. Review status: criteria provided, single submitter. Criteria: ACMG Guidelines, 2015. Collection method: clinical testing. Allele origin: unknown.

Ambry Genetics
Classification: Uncertain significance for Cardiovascular phenotype. Last evaluated: 2020-09-18. Review status: criteria provided, single submitter. Criteria: Ambry Variant Classification Scheme 2023. Collection method: clinical testing. Allele origin: germline.
Comment: The p.P3117T variant (also known as c.9349C>A), located in coding exon 38 of the AKAP9 gene, results from a C to A substitution at nucleotide position 9349. The proline at codon 3117 is replaced by threonine, an amino acid with highly similar properties. This amino acid position is not well conserved in available vertebrate species. In addition, this alteration is predicted to be tolerated by in silico analysis. Since supporting evidence is limited at this time, the clinical significance of this alteration remains unclear.

NM_005751.5(AKAP9):c.9349C>A (p.Pro3117Thr)

Gene: AKAP9 (A-kinase anchoring protein 9; plus strand). Cytogenetic location: 7q21.2.
Variant type: single nucleotide variant.
Coding change: c.9349C>A on transcript NM_005751.5 (MANE Select); coding-DNA position 9349, C replaced by A.
Protein change: p.Pro3117Thr; replaces proline 3117 with threonine.
Molecular consequence: missense variant.
Genome position (GRCh38, 1-based): chr7:92,089,520, C>A. VCF-style: chr7-92089520-C-A. GRCh37 (hg19) VCF-style: chr7-91718834-C-A.
Other names: c.3994C>A, p.Pro1332Thr (NM_001379277.1); c.9325C>A, p.Pro3109Thr (NM_147185.3); short protein forms P3117T, P1332T, P3109T.
Identifiers: ClinVar variation 1469280 (VCV001469280.11), dbSNP rs769119204, ClinGen allele CA4337714.